The following is an entry in ClinVar:

ClinVar aggregate classification (germline): Pathogenic (1 of 4 stars; one submission).

Conditions:
RPE65-related recessive retinopathy. Also called: Recessive RPE65 retinopathy. Identifiers: MedGen CN305526, MONDO:0100368.

Submission:

Myriad Genetics, Inc.
Classification: Pathogenic for RPE65-related recessive retinopathy. Last evaluated: 2024-03-22. Review status: criteria provided, single submitter. Criteria: Myriad Autosomal Dominant, Autosomal Recessive and X-Linked Classification Criteria (2023). Collection method: clinical testing. Allele origin: unknown.
Comment: NM_000329.2(RPE65):c.720delT(H241Ifs*5) is expected to be pathogenic in the context of inherited retinal dystrophy, RPE65-related. This variant is predicted to lead to an abnormal or absent protein product due to the creation of a premature termination codon in RPE65, a gene where loss-of-function variants are known to be pathogenic. Please note: this variant was assessed in the context of healthy population screening.

NM_000329.3(RPE65):c.720del (p.His241fs)

Gene: RPE65 (retinoid isomerohydrolase RPE65; minus strand). Cytogenetic location: 1p31.3.
Variant type: Deletion.
Coding change: c.720del on transcript NM_000329.3 (MANE Select); coding-DNA position 720, one base deleted (T; older notation c.720delT).
Protein change: p.His241fs; shifts the reading frame from histidine 241.
Molecular consequence: frameshift variant.
Genome position (GRCh38, 1-based): chr1:68,439,566, A deleted on the plus strand (T on the coding strand, the reverse complement: RPE65 is on the minus strand); the first of 2 consecutive A bases (chr1:68,439,566-68,439,567); deleting either gives the same sequence. VCF-style (leftmost placement, unchanged base first): chr1-68439565-GA-G. GRCh37 (hg19) VCF-style: chr1-68905248-GA-G.
Other names: c.612del, p.His205fs (NM_001406853.1); c.444del, p.His149fs (NM_001406856.1, NM_001406857.1); c.720del, p.His241fs (NM_001406859.1); short protein forms H149fs, H205fs, H241fs.
Identifiers: ClinVar variation 5012851 (VCV005012851.1).